The following is an entry in ClinVar:

ClinVar aggregate classification (germline): Conflicting classifications of pathogenicity. Review status: criteria provided, conflicting classifications (1 of 4 stars). 4 submissions from 4 submitters: Uncertain significance (3); Likely benign (1). Last evaluated 2025-10-13.

Conditions:
Hereditary cancer-predisposing syndrome. Also called: Tumor predisposition; Hereditary Cancer Syndrome; Hereditary neoplastic syndrome; Neoplastic Syndromes, Hereditary. Identifiers: Orphanet 140162, MedGen C0027672, MeSH D009386, MONDO:0015356.
Hereditary diffuse gastric adenocarcinoma (HDGC). Also called: DIFFUSE GASTRIC AND LOBULAR BREAST CANCER SYNDROME. Identifiers: Orphanet 26106, MedGen C1708349, MONDO:0007648, OMIM 137215.

Allele frequency attached by ClinVar (database versions not stated): gnomAD exomes below 0.00001 and 0.00001; TOPMed 0.00001.
gnomAD v4.1: 2 of 1,613,626 alleles (0.00012%); highest among the groups gnomAD compares: East Asian, 0.0045%; no homozygotes.

Submissions (4):

Labcorp Genetics (formerly Invitae), Labcorp
Classification: Uncertain significance for Hereditary diffuse gastric adenocarcinoma. Last evaluated: 2025-10-13. Review status: criteria provided, single submitter. Criteria: Invitae Variant Classification Sherloc (09022015). Collection method: clinical testing. Allele origin: germline.
Comment: This sequence change replaces proline, which is neutral and non-polar, with serine, which is neutral and polar, at codon 125 of the CDH1 protein (p.Pro125Ser). This variant is present in population databases (rs730881662, gnomAD 0.02%). This variant has not been reported in the literature in individuals affected with CDH1-related conditions. ClinVar contains an entry for this variant (Variation ID: 182391). An algorithm developed to predict the effect of missense changes on protein structure and function (PolyPhen-2) suggests that this variant is likely to be tolerated. In summary, the available evidence is currently insufficient to determine the role of this variant in disease. Therefore, it has been classified as a Variant of Uncertain Significance.

Ambry Genetics
Classification: Likely benign for Hereditary cancer-predisposing syndrome. Last evaluated: 2025-01-02. Review status: criteria provided, single submitter. Criteria: Ambry Variant Classification Scheme 2023. Collection method: clinical testing. Allele origin: germline.

Color Diagnostics, LLC DBA Color Health
Classification: Uncertain significance for Hereditary cancer-predisposing syndrome. Last evaluated: 2024-09-25. Review status: criteria provided, single submitter. Criteria: ACMG Guidelines, 2015. Collection method: clinical testing. Allele origin: germline.
Comment: This missense variant replaces proline with serine at codon 125 of the CDH1 protein. To our knowledge, functional studies have not been reported for this variant. In a large breast cancer case-control study, this variant has been reported in 4/60466 cases and 3/53461 unaffected controls (PMID: 33471991). This variant has been identified in 3/250696 chromosomes in the general population by the Genome Aggregation Database (gnomAD). The available evidence is insufficient to determine the role of this variant in disease conclusively. Therefore, this variant is classified as a Variant of Uncertain Significance.

GeneDx
Classification: Uncertain significance. Last evaluated: 2023-12-12. Review status: criteria provided, single submitter. Criteria: GeneDx Variant Classification Process June 2021. Collection method: clinical testing. Allele origin: germline. Affected: yes.
Comment: Not observed at significant frequency in large population cohorts (gnomAD); In silico analysis supports that this missense variant does not alter protein structure/function; Observed in both cases and controls in a breast cancer case-control study (PMID: 33471991); This variant is associated with the following publications: (PMID: 15235021, 33471991)

Literature cited by the submitters: PubMed 33471991 (cited by Ambry Genetics and Color Diagnostics, LLC DBA Color Health).

NM_004360.5(CDH1):c.373C>T (p.Pro125Ser)

Gene: CDH1 (cadherin 1; plus strand). Cytogenetic location: 16q22.1.
Variant type: single nucleotide variant.
Coding change: c.373C>T on transcript NM_004360.5 (MANE Select); coding-DNA position 373, C replaced by T.
Protein change: p.Pro125Ser; replaces proline 125 with serine.
Molecular consequence: missense variant. On other transcripts: 5 prime UTR variant (2).
Genome position (GRCh38, 1-based): chr16:68,801,879, C>T. VCF-style: chr16-68801879-C-T. GRCh37 (hg19) VCF-style: chr16-68835782-C-T.
Other names: p.P125S:CCC>TCC; c.373C>T (LRG_301t1); c.373C>T, p.Pro125Ser (NM_001317184.2); c.-1243C>T (NM_001317185.2); c.-1447C>T (NM_001317186.2); short protein forms P125S.
Identifiers: ClinVar variation 182391 (VCV000182391.18), dbSNP rs730881662, ClinGen allele CA298968.